The following is an entry in ClinVar:

NM_007294.4(BRCA1):c.2386_2388delinsCC (p.Thr796fs)

Gene: BRCA1 (BRCA1 DNA repair associated; minus strand). Cytogenetic location: 17q21.31.
Variant type: Indel.
Coding change: c.2386_2388delinsCC on transcript NM_007294.4 (MANE Select); coding-DNA positions 2386 to 2388, ACA replaced by CC.
Protein change: p.Thr796fs; shifts the reading frame from threonine 796.
Molecular consequence: frameshift variant. On other transcripts: intron variant (137).
Genome position (GRCh38, 1-based): chr17:43,093,143-43,093,145, TGT replaced by GG on the plus strand (ACA replaced by CC on the coding strand, the reverse complement: BRCA1 is on the minus strand). VCF-style: chr17-43093143-TGT-GG. GRCh37 (hg19) VCF-style: chr17-41245160-TGT-GG.
Other names: c.709+1599_709+1601delinsCC (NM_001408414.1, NM_001408411.1, NM_001408415.1 and 2 more transcripts); c.577+1599_577+1601delinsCC (NM_001408514.1, NM_001408485.1, NM_001408483.1 and 9 more transcripts); c.661+1599_661+1601delinsCC (NM_001408447.1, NM_001408433.1, NM_001408446.1 and 6 more transcripts); c.784+1599_784+1601delinsCC (NM_001408400.1, NM_001408392.1, NM_001407986.1 and 13 more transcripts); c.664+1599_664+1601delinsCC (NM_001408441.1, NM_001408437.1, NM_001408429.1 and 12 more transcripts); c.2263_2265delinsCC, p.Thr755fs (NM_001407937.1, NM_001407938.1, NM_001407939.1 and 19 more transcripts); c.787+1599_787+1601delinsCC (NM_001407979.1, NM_001407977.1, NM_001407982.1 and 17 more transcripts); c.646+1599_646+1601delinsCC (NM_001408410.1, NM_001408458.1, NM_001408469.1 and 11 more transcripts); and 41 more; short protein forms T685fs, T726fs, T749fs, T769fs, T770fs, T748fs, T793fs, T707fs.
Identifiers: ClinVar variation 4625501 (VCV004625501.1).

ClinVar aggregate classification (germline): Pathogenic (1 of 4 stars; one submission).

Conditions:
Hereditary cancer-predisposing syndrome. Also called: Neoplastic Syndromes, Hereditary; Tumor predisposition; Hereditary Cancer Syndrome; Hereditary neoplastic syndrome. Identifiers: Orphanet 140162, MedGen C0027672, MeSH D009386, MONDO:0015356.

Submission:

Ambry Genetics
Classification: Pathogenic for Hereditary cancer-predisposing syndrome. Last evaluated: 2025-11-13. Review status: criteria provided, single submitter. Criteria: Ambry Variant Classification Scheme 2023. Collection method: clinical testing. Allele origin: germline.
Comment: The c.2386_2388delACAinsCC pathogenic mutation, located in coding exon 9 of the BRCA1 gene, results from the deletion of 3 nucleotides and insertion of two nucleotides causing a translational frameshift with a predicted alternate stop codon (p.T796Pfs*7). This variant is considered to be rare based on population cohorts in the Genome Aggregation Database (gnomAD). This alteration is expected to result in loss of function by premature protein truncation or nonsense-mediated mRNA decay. As such, this alteration is interpreted as a disease-causing mutation.